The following is an entry in ClinVar:

NM_001457.4(FLNB):c.7121G>A (p.Arg2374His)

Genes: FLNB (filamin B; plus strand), FLNB-AS1 (FLNB antisense RNA 1; minus strand). Cytogenetic location: 3p14.3.
Variant type: single nucleotide variant.
Coding change: c.7121G>A on transcript NM_001457.4 (MANE Select); coding-DNA position 7121, G replaced by A.
Protein change: p.Arg2374His; replaces arginine 2374 with histidine.
Molecular consequence: missense variant. On other transcripts: non-coding transcript variant (1).
Genome position (GRCh38, 1-based): chr3:58,163,253, G>A. VCF-style: chr3-58163253-G-A. GRCh37 (hg19) VCF-style: chr3-58148980-G-A.
Other names: c.7214G>A, p.Arg2405His (NM_001164317.2); c.7088G>A, p.Arg2363His (NM_001164318.2); c.7049G>A, p.Arg2350His (NM_001164319.2); short protein forms R2374H, R2350H, R2405H, R2363H.
Identifiers: ClinVar variation 1518688 (VCV001518688.9), dbSNP rs186952950, ClinGen allele CA2469603.
Genomic context (GRCh38, chr3:58,163,253, plus strand): 5'-TCCACACCATCGATGTCAAGTTCAATGGGAGCCACGTGGTTGGAAGCCCCTTCAAAGTGC[G>A]CGTTGGGGAGCCTGGACAAGCGGGGAACCCTGCCCTGGTGTCCGCCTATGGCACGGGACT-3'
Protein context (NP_001448.2, residues 2364-2384): SHVVGSPFKV[Arg2374His]VGEPGQAGNP

ClinVar aggregate classification (germline): Conflicting classifications of pathogenicity. Review status: criteria provided, conflicting classifications (1 of 4 stars). 2 submissions from 2 submitters: Uncertain significance (1); Likely benign (1). Last evaluated 2025-11-04.

Allele frequency attached by ClinVar (database versions not stated): gnomAD 0.00001 and 0.00002; ExAC 0.00002; TOPMed 0.00005; gnomAD exomes 0.00006 and 0.00008; 1000 Genomes Project 30x 0.00016; 1000 Genomes Project 0.00020.
gnomAD v4.1: 117 of 1,614,240 alleles (0.0072%); highest among the groups gnomAD compares: Admixed American, 0.013%; no homozygotes.

Submissions (2):

Labcorp Genetics (formerly Invitae), Labcorp
Classification: Likely benign. Last evaluated: 2025-11-04. Review status: criteria provided, single submitter. Criteria: Invitae Variant Classification Sherloc (09022015). Collection method: clinical testing. Allele origin: germline.

Women's Health and Genetics/Laboratory Corporation of America, LabCorp
Classification: Uncertain significance. Last evaluated: 2025-03-06. Review status: criteria provided, single submitter. Criteria: LabCorp Variant Classification Summary - May 2015. Collection method: clinical testing. Allele origin: germline.
Comment: Variant summary: FLNB c.7121G>A (p.Arg2374His) results in a non-conservative amino acid change in the encoded protein sequence. Five of five in-silico tools predict a damaging effect of the variant on protein function. The variant allele was found at a frequency of 5.6e-05 in 251460 control chromosomes. This frequency is not significantly higher than estimated for a pathogenic variant in FLNB causing Larsen Syndrome, allowing no conclusion about variant significance. To our knowledge, no occurrence of c.7121G>A in individuals affected with Larsen Syndrome and no experimental evidence demonstrating its impact on protein function have been reported. ClinVar contains an entry for this variant (Variation ID: 1518688). Based on the evidence outlined above, the variant was classified as uncertain significance.